The following is an entry in ClinVar:

NM_004360.5(CDH1):c.1202C>T (p.Ala401Val)

Gene: CDH1 (cadherin 1; plus strand). Cytogenetic location: 16q22.1.
Variant type: single nucleotide variant.
Coding change: c.1202C>T on transcript NM_004360.5 (MANE Select); coding-DNA position 1202, C replaced by T.
Protein change: p.Ala401Val; replaces alanine 401 with valine.
Molecular consequence: missense variant. On other transcripts: 5 prime UTR variant (2), intron variant (1).
Genome position (GRCh38, 1-based): chr16:68,813,377, C>T. VCF-style: chr16-68813377-C-T. GRCh37 (hg19) VCF-style: chr16-68847280-C-T.
Other names: c.1202C>T (LRG_301t1); c.-414C>T (NM_001317185.2); c.-618C>T (NM_001317186.2); c.1137+1114C>T (NM_001317184.2); short protein forms A401V.
Identifiers: ClinVar variation 419071 (VCV000419071.37), dbSNP rs150795245, ClinGen allele CA8130020.
Genomic context (GRCh38, chr16:68,813,377, plus strand): 5'-AGGGTCAGGTGCCTGAGAACGAGGCTAACGTCGTAATCACCACACTGAAAGTGACTGATG[C>T]TGATGCCCCCAATACCCCAGCGTGGGAGGCTGTATACACCATATTGAATGATGATGGTGG-3'
Protein context (NP_004351.1, residues 391-411): VVITTLKVTD[Ala401Val]DAPNTPAWEA

ClinVar aggregate classification (germline): Conflicting classifications of pathogenicity. Review status: criteria provided, conflicting classifications (1 of 4 stars). 7 submissions from 7 submitters: Uncertain significance (6); Likely benign (1). Last evaluated 2026-01-19.

Conditions:
Familial cancer of breast. Also called: hereditary breast carcinoma; Hereditary breast cancer; BREAST CANCER, FAMILIAL. Identifiers: Orphanet 227535, MedGen C0346153, MONDO:0016419, OMIM 114480. Disease mechanism: loss of function.
Hereditary diffuse gastric adenocarcinoma (HDGC). Also called: DIFFUSE GASTRIC AND LOBULAR BREAST CANCER SYNDROME. Identifiers: Orphanet 26106, MedGen C1708349, MONDO:0007648, OMIM 137215.
Hereditary cancer-predisposing syndrome. Also called: Hereditary neoplastic syndrome; Hereditary Cancer Syndrome; Neoplastic Syndromes, Hereditary; Tumor predisposition. Identifiers: Orphanet 140162, MedGen C0027672, MeSH D009386, MONDO:0015356.

gnomAD v4.1: 1 of 1,614,154 alleles (0.000062%); highest among the groups gnomAD compares: Non-Finnish European, 0.000085%; no homozygotes.

Submissions (7):

Labcorp Genetics (formerly Invitae), Labcorp
Classification: Uncertain significance for Hereditary diffuse gastric adenocarcinoma. Last evaluated: 2026-01-19. Review status: criteria provided, single submitter. Criteria: Invitae Variant Classification Sherloc (09022015). Collection method: clinical testing. Allele origin: germline.
Comment: This sequence change replaces alanine, which is neutral and non-polar, with valine, which is neutral and non-polar, at codon 401 of the CDH1 protein (p.Ala401Val). This variant is present in population databases (rs150795245, gnomAD 0.0009%). This variant has not been reported in the literature in individuals affected with CDH1-related conditions. ClinVar contains an entry for this variant (Variation ID: 419071). An algorithm developed to predict the effect of missense changes on protein structure and function (PolyPhen-2) suggests that this variant is likely to be tolerated. In summary, the available evidence is currently insufficient to determine the role of this variant in disease. Therefore, it has been classified as a Variant of Uncertain Significance.

Women's Health and Genetics/Laboratory Corporation of America, LabCorp
Classification: Uncertain significance. Last evaluated: 2025-02-19. Review status: criteria provided, single submitter. Criteria: LabCorp Variant Classification Summary - May 2015. Collection method: clinical testing. Allele origin: germline.
Comment: Variant summary: CDH1 c.1202C>T (p.Ala401Val) results in a non-conservative amino acid change located in the Cadherin-like domain of the encoded protein sequence. Four of five in-silico tools predict a benign effect of the variant on protein function. The variant allele was found at a frequency of 4e-06 in 251488 control chromosomes. The available data on variant occurrences in the general population are insufficient to allow any conclusion about variant significance. c.1202C>T has been reported in the literature in an individual affected with Breast Cancer, without strong evidence for causality (Tung_2014). These report(s) do not provide unequivocal conclusions about association of the variant with Hereditary Diffuse Gastric Cancer. To our knowledge, no experimental evidence demonstrating an impact on protein function has been reported. The following publication has been ascertained in the context of this evaluation (PMID: 25186627). ClinVar contains an entry for this variant (Variation ID: 419071). Based on the evidence outlined above, the variant was classified as uncertain significance.

Ambry Genetics
Classification: Likely benign for Hereditary cancer-predisposing syndrome. Last evaluated: 2024-12-02. Review status: criteria provided, single submitter. Criteria: Ambry Variant Classification Scheme 2023. Collection method: clinical testing. Allele origin: germline.

Color Diagnostics, LLC DBA Color Health
Classification: Uncertain significance for Hereditary cancer-predisposing syndrome. Last evaluated: 2024-11-13. Review status: criteria provided, single submitter. Criteria: ACMG Guidelines, 2015. Collection method: clinical testing. Allele origin: germline.
Comment: This missense variant replaces alanine with valine at codon 401 of the CDH1 protein. To our knowledge, functional studies have not been reported for this variant. This variant has been reported in an individual affected with breast cancer in the literature (PMID: 25186627). This variant has been identified in 1/251488 chromosomes in the general population by the Genome Aggregation Database (gnomAD). The available evidence is insufficient to determine the role of this variant in disease conclusively. Therefore, this variant is classified as a Variant of Uncertain Significance.

Baylor Genetics
Classification: Uncertain significance for Familial cancer of breast. Last evaluated: 2024-03-08. Review status: criteria provided, single submitter. Criteria: ACMG Guidelines, 2015. Collection method: clinical testing. Allele origin: unknown.

GeneDx
Classification: Uncertain significance. Last evaluated: 2024-02-04. Review status: criteria provided, single submitter. Criteria: GeneDx Variant Classification Process June 2021. Collection method: clinical testing. Allele origin: germline. Affected: yes.
Comment: Not observed at significant frequency in large population cohorts (gnomAD); In silico analysis supports that this missense variant does not alter protein structure/function; Observed in an individual with breast cancer (PMID: 25186627); This variant is associated with the following publications: (PMID: 15235021, 22850631, 25186627)

ARUP Laboratories, Molecular Genetics and Genomics, ARUP Laboratories
Classification: Uncertain significance. Last evaluated: 2020-10-09. Review status: criteria provided, single submitter. Criteria: ARUP Molecular Germline Variant Investigation Process 2021. Collection method: clinical testing. Allele origin: germline.
Comment: The CDH1: c.1202C>T; p.Ala401Val variant (rs150795245), to our knowledge, is not reported in the medical literature but is reported in ClinVar (Variation ID: 419071). This variant is only observed on one allele in the Genome Aggregation Database, indicating it is not a common polymorphism. The alanine at codon 401 is moderately conserved, and computational analyses (REVEL) predict that this variant is neutral (REVEL: 0.14). Due to limited information, the clinical significance of the p.Ala401Val variant is uncertain at this time.

Literature cited by the submitters: PubMed 25186627 (cited by Women's Health and Genetics/Laboratory Corporation of America, LabCorp and Color Diagnostics, LLC DBA Color Health).